The following is an entry in ClinVar:

NM_001378454.1(ALMS1):c.311C>A (p.Thr104Asn)

Gene: ALMS1 (ALMS1 centrosome and basal body associated protein; plus strand). Cytogenetic location: 2p13.1.
Variant type: single nucleotide variant.
Coding change: c.311C>A on transcript NM_001378454.1 (MANE Select); coding-DNA position 311, C replaced by A.
Protein change: p.Thr104Asn; replaces threonine 104 with asparagine.
Molecular consequence: missense variant.
Genome position (GRCh38, 1-based): chr2:73,386,179, C>A. VCF-style: chr2-73386179-C-A. GRCh37 (hg19) VCF-style: chr2-73613307-C-A.
Other names: c.314C>A, p.Thr105Asn (NM_015120.4); short protein forms T104N, T105N.
Identifiers: ClinVar variation 3354786 (VCV003354786.1).

ClinVar aggregate classification (germline): Uncertain significance (0 of 4 stars; one submission).

Conditions:
ALMS1-related disorder. Also called: ALMS1-related condition.

Submission:

PreventionGenetics, part of Exact Sciences
Classification: Uncertain significance for ALMS1-related condition. Last evaluated: 2024-06-17. Review status: no assertion criteria provided. Collection method: clinical testing. Allele origin: germline.
Comment: The ALMS1 c.314C>A variant is predicted to result in the amino acid substitution p.Ser105Tyr. To our knowledge, this variant has not been reported in the literature. This variant is reported in 0.0041% of alleles in individuals of Latino descent in gnomAD. At this time, the clinical significance of this variant is uncertain due to the absence of conclusive functional and genetic evidence.